The following is an entry in ClinVar:

ClinVar aggregate classification (germline): Uncertain significance. Review status: criteria provided, multiple submitters, no conflicts (2 of 4 stars). 2 submissions from 2 submitters: Uncertain significance (2). Last evaluated 2025-04-20.

Conditions:
Inborn genetic diseases. Identifiers: MedGen C0950123, MeSH D030342.

Submissions (2):

Labcorp Genetics (formerly Invitae), Labcorp
Classification: Uncertain significance. Last evaluated: 2025-04-20. Review status: criteria provided, single submitter. Criteria: Invitae Variant Classification Sherloc (09022015). Collection method: clinical testing. Allele origin: germline.
Comment: This sequence change replaces aspartic acid, which is acidic and polar, with glutamic acid, which is acidic and polar, at codon 211 of the FGG protein (p.Asp211Glu). This variant is not present in population databases (gnomAD no frequency). This variant has not been reported in the literature in individuals affected with FGG-related conditions. ClinVar contains an entry for this variant (Variation ID: 2327544). Invitae Evidence Modeling of protein sequence and biophysical properties (such as structural, functional, and spatial information, amino acid conservation, physicochemical variation, residue mobility, and thermodynamic stability) indicates that this missense variant is not expected to disrupt FGG protein function with a negative predictive value of 80%. In summary, the available evidence is currently insufficient to determine the role of this variant in disease. Therefore, it has been classified as a Variant of Uncertain Significance.

Ambry Genetics
Classification: Uncertain significance for Inborn genetic diseases. Last evaluated: 2022-11-18. Review status: criteria provided, single submitter. Criteria: Ambry Variant Classification Scheme 2023. Collection method: clinical testing. Allele origin: germline.

NM_021870.3(FGG):c.633T>G (p.Asp211Glu)

Gene: FGG (fibrinogen gamma chain; minus strand). Cytogenetic location: 4q32.1.
Variant type: single nucleotide variant.
Coding change: c.633T>G on transcript NM_021870.3 (MANE Select); coding-DNA position 633, T replaced by G.
Protein change: p.Asp211Glu; replaces aspartic acid 211 with glutamic acid.
Molecular consequence: missense variant.
Genome position (GRCh38, 1-based): chr4:154,609,663, A>C on the plus strand (T>G on the coding strand, the complement: FGG is on the minus strand). VCF-style: chr4-154609663-A-C. GRCh37 (hg19) VCF-style: chr4-155530815-A-C.
Other names: c.633T>G, p.Asp211Glu (NM_000509.6); short protein forms D211E.
Identifiers: ClinVar variation 2327544 (VCV002327544.3), dbSNP rs748194040, ClinGen allele CA358536666.